The following is an entry in ClinVar:

ClinVar aggregate classification (germline): Likely benign. Review status: criteria provided, multiple submitters, no conflicts (2 of 4 stars). 2 submissions from 2 submitters: Likely benign (2). Last evaluated 2025-03-13.

Allele frequency attached by ClinVar (database versions not stated): gnomAD exomes 0.00001 and 0.00003; ExAC 0.00002; gnomAD 0.00003; TOPMed 0.00006.

Submissions (2):

Labcorp Genetics (formerly Invitae), Labcorp
Classification: Likely benign. Last evaluated: 2025-03-13. Review status: criteria provided, single submitter. Criteria: Invitae Variant Classification Sherloc (09022015). Collection method: clinical testing. Allele origin: germline.

GeneDx
Classification: Likely benign. Last evaluated: 2016-08-01. Review status: criteria provided, single submitter. Criteria: GeneDx Variant Classification (06012015). Collection method: clinical testing. Allele origin: germline. Affected: yes.
Comment: This variant is considered likely benign or benign based on one or more of the following criteria: it is a conservative change, it occurs at a poorly conserved position in the protein, it is predicted to be benign by multiple in silico algorithms, and/or has population frequency not consistent with disease.

NM_032620.4(GTPBP3):c.388+13G>A

Gene: GTPBP3 (GTP binding protein 3, mitochondrial; plus strand). Cytogenetic location: 19p13.11.
Variant type: single nucleotide variant.
Coding change: c.388+13G>A on transcript NM_032620.4 (MANE Select); 13 bases into the intron after coding-DNA position 388, G replaced by A.
Molecular consequence: intron variant.
Genome position (GRCh38, 1-based): chr19:17,338,464, G>A. VCF-style: chr19-17338464-G-A. GRCh37 (hg19) VCF-style: chr19-17449273-G-A.
Other names: c.454+13G>A (NM_001195422.1); c.388+13G>A (NM_133644.4, NM_001128855.3).
Identifiers: ClinVar variation 387914 (VCV000387914.5), dbSNP rs772120855, ClinGen allele CA9293329.